The following is an entry in ClinVar:

ClinVar aggregate classification (germline): Uncertain significance (1 of 4 stars; one submission).

Conditions:
Inborn genetic diseases. Identifiers: MedGen C0950123, MeSH D030342.

Allele frequency attached by ClinVar (database versions not stated): gnomAD exomes below 0.00001.
gnomAD v4.1: 1 of 1,613,678 alleles (0.000062%); highest among the groups gnomAD compares: Non-Finnish European, 0.000085%; no homozygotes.

Submission:

Ambry Genetics
Classification: Uncertain significance for Inborn genetic diseases. Last evaluated: 2021-07-18. Review status: criteria provided, single submitter. Criteria: Ambry Variant Classification Scheme 2023. Collection method: clinical testing. Allele origin: germline.
Comment: The p.S694R variant (also known as c.2082C>A), located in coding exon 16 of the BUB1B gene, results from a C to A substitution at nucleotide position 2082. The serine at codon 694 is replaced by arginine, an amino acid with dissimilar properties. This amino acid position is conserved. In addition, this alteration is predicted to be tolerated by in silico analysis. Since supporting evidence is limited at this time, the clinical significance of this alteration remains unclear.

NM_001211.6(BUB1B):c.2082C>A (p.Ser694Arg)

Gene: BUB1B (BUB1 mitotic checkpoint serine/threonine kinase B; plus strand). Cytogenetic location: 15q15.1.
Variant type: single nucleotide variant.
Coding change: c.2082C>A on transcript NM_001211.6 (MANE Select); coding-DNA position 2082, C replaced by A.
Protein change: p.Ser694Arg; replaces serine 694 with arginine.
Molecular consequence: missense variant.
Genome position (GRCh38, 1-based): chr15:40,208,709, C>A. VCF-style: chr15-40208709-C-A. GRCh37 (hg19) VCF-style: chr15-40500910-C-A.
Other names: short protein forms S694R.
Identifiers: ClinVar variation 1785578 (VCV001785578.2), dbSNP rs2037668840, ClinGen allele CA391693631.